The following is an entry in ClinVar:

NM_001130965.3(SUN1):c.1435C>G (p.Gln479Glu)

Gene: SUN1 (Sad1 and UNC84 domain containing 1; plus strand). Cytogenetic location: 7p22.3.
Variant type: single nucleotide variant.
Coding change: c.1435C>G on transcript NM_001130965.3 (MANE Select); coding-DNA position 1435, C replaced by G.
Protein change: p.Gln479Glu; replaces glutamine 479 with glutamic acid.
Molecular consequence: missense variant. On other transcripts: non-coding transcript variant (3).
Genome position (GRCh38, 1-based): chr7:857,868, C>G. VCF-style: chr7-857868-C-G. GRCh37 (hg19) VCF-style: chr7-897505-C-G.
Other names: c.1744C>G, p.Gln582Glu (NM_001367692.1); c.1630C>G, p.Gln544Glu (NM_001367693.1, NM_001367697.1); c.1432C>G, p.Gln478Glu (NM_001367694.1, NM_001367665.1); c.1396C>G, p.Gln466Glu (NM_001367689.1, NM_001367667.1); c.1726C>G, p.Gln576Glu (NM_001367690.1); c.1675C>G, p.Gln559Glu (NM_001367691.1, NM_001367636.1); c.1126C>G, p.Gln376Glu (NM_001171944.2); c.1435C>G, p.Gln479Glu (NM_001367633.1, NM_001367634.1, NM_001367653.1); and 43 more; short protein forms Q241E, Q326E, Q396E, Q428E, Q453E, Q456E, Q483E, Q488E.
Identifiers: ClinVar variation 2055646 (VCV002055646.4), dbSNP rs2487864214, ClinGen allele CA366532957.

ClinVar aggregate classification (germline): Uncertain significance (1 of 4 stars; one submission).

Conditions:
Emery-Dreifuss muscular dystrophy (EDMD). Also called: Scapuloperoneal syndrome, X-linked (formerly); Humeroperoneal neuromuscular disease, (formerly). Identifiers: Orphanet 261, MedGen C0410189, MONDO:0016830.

Allele frequency attached by ClinVar (database versions not stated): gnomAD exomes below 0.00001.
gnomAD v4.1: 1 of 1,598,870 alleles (0.000063%); highest among the groups gnomAD compares: Non-Finnish European, 0.000086%; no homozygotes.

Submission:

Labcorp Genetics (formerly Invitae), Labcorp
Classification: Uncertain significance for Emery-Dreifuss muscular dystrophy. Last evaluated: 2022-03-07. Review status: criteria provided, single submitter. Criteria: Invitae Variant Classification Sherloc (09022015). Collection method: clinical testing. Allele origin: germline.
Comment: In summary, the available evidence is currently insufficient to determine the role of this variant in disease. Therefore, it has been classified as a Variant of Uncertain Significance. Algorithms developed to predict the effect of missense changes on protein structure and function output the following: SIFT: "Tolerated"; PolyPhen-2: "Benign"; Align-GVGD: "Class C0". The glutamic acid amino acid residue is found in multiple mammalian species, which suggests that this missense change does not adversely affect protein function. This variant has not been reported in the literature in individuals affected with SUN1-related conditions. This variant is not present in population databases (gnomAD no frequency). This sequence change replaces glutamine, which is neutral and polar, with glutamic acid, which is acidic and polar, at codon 479 of the SUN1 protein (p.Gln479Glu).